The following is an entry in ClinVar:

NM_001111.5(ADAR):c.575C>G (p.Pro192Arg)

Gene: ADAR (adenosine deaminase RNA specific; minus strand). Cytogenetic location: 1q21.3.
Variant type: single nucleotide variant.
Coding change: c.575C>G on transcript NM_001111.5 (MANE Select); coding-DNA position 575, C replaced by G.
Protein change: p.Pro192Arg; replaces proline 192 with arginine.
Molecular consequence: missense variant. On other transcripts: 5 prime UTR variant (6).
Genome position (GRCh38, 1-based): chr1:154,602,067, G>C on the plus strand (C>G on the coding strand, the complement: ADAR is on the minus strand). VCF-style: chr1-154602067-G-C. GRCh37 (hg19) VCF-style: chr1-154574543-G-C.
Other names: c.-311C>G (NM_001025107.3, NM_001193495.2, NM_001365046.1 and 3 more transcripts); c.602C>G, p.Pro201Arg (NM_001365045.1); c.575C>G, p.Pro192Arg (NM_015840.4, NM_015841.4); short protein forms P201R, P192R.
Identifiers: ClinVar variation 4791465 (VCV004791465.1).

ClinVar aggregate classification (germline): Uncertain significance (1 of 4 stars; one submission).

Conditions:
Aicardi-Goutieres syndrome 6 (AGS6). Identifiers: Orphanet 51, MedGen C3539013, MONDO:0014007, OMIM 615010.
Symmetrical dyschromatosis of extremities (DSH). Also called: DYSCHROMATOSIS SYMMETRICA HEREDITARIA 1; RETICULATE ACROPIGMENTATION OF DOHI; SYMMETRIC DYSCHROMATOSIS OF THE EXTREMITIES; Dyschromatosis symmetrica hereditaria. Identifiers: Orphanet 41, MedGen C0406775, MONDO:0007483, OMIM 127400.

gnomAD v4.1: 1 of 1,614,168 alleles (0.000062%); highest among the groups gnomAD compares: Non-Finnish European, 0.000085%; no homozygotes.

Submission:

Labcorp Genetics (formerly Invitae), Labcorp
Classification: Uncertain significance for Aicardi-Goutieres syndrome 6; Symmetrical dyschromatosis of extremities. Last evaluated: 2025-12-23. Review status: criteria provided, single submitter. Criteria: Invitae Variant Classification Sherloc (09022015). Collection method: clinical testing. Allele origin: germline.
Comment: This sequence change replaces proline, which is neutral and non-polar, with arginine, which is basic and polar, at codon 192 of the ADAR protein (p.Pro192Arg). This variant is not present in population databases (gnomAD no frequency). This variant has not been reported in the literature in individuals affected with ADAR-related conditions. An algorithm developed to predict the effect of missense changes on protein structure and function (PolyPhen-2) suggests that this variant is likely to be disruptive. In summary, the available evidence is currently insufficient to determine the role of this variant in disease. Therefore, it has been classified as a Variant of Uncertain Significance.